The following is an entry in ClinVar:

ClinVar aggregate classification (germline): Likely benign. Review status: criteria provided, multiple submitters, no conflicts (2 of 4 stars). 3 submissions from 3 submitters: Likely benign (2). 1 of the submissions does not count toward it. Last evaluated 2026-01-01.

Conditions:
DLG4-related disorder. Also called: DLG4-related condition.

Allele frequency attached by ClinVar (database versions not stated): gnomAD 0.00002 and 0.00005; TOPMed 0.00002; gnomAD exomes 0.00006 and 0.00017; ESP Exome Variant Server 0.00008; ExAC 0.00024; 1000 Genomes Project 30x 0.00047; 1000 Genomes Project 0.00060.
gnomAD v4.1: 93 of 1,461,078 alleles (0.0064%); highest among the groups gnomAD compares: South Asian, 0.12%; no homozygotes.

Submissions (3):

CeGaT Center for Human Genetics Tuebingen
Classification: Likely benign. Last evaluated: 2026-01-01. Review status: criteria provided, single submitter. Criteria: CeGaT Center For Human Genetics Tuebingen Variant Classification Criteria Version 2. Collection method: clinical testing. Allele origin: germline. Affected: yes. Observed: 1 variant allele.
Comment: DLG4: BS1

Labcorp Genetics (formerly Invitae), Labcorp
Classification: Likely benign. Last evaluated: 2018-05-08. Review status: criteria provided, single submitter. Criteria: Invitae Variant Classification Sherloc (09022015). Collection method: clinical testing. Allele origin: germline.

PreventionGenetics, part of Exact Sciences
Classification: Likely benign for DLG4-related condition. Last evaluated: 2022-07-25. Review status: no assertion criteria provided. Collection method: clinical testing. Allele origin: germline. Not counted in ClinVar's aggregate classification.
Comment: This variant is classified as likely benign based on ACMG/AMP sequence variant interpretation guidelines (Richards et al. 2015 PMID: 25741868, with internal and published modifications).

NM_001321075.3(DLG4):c.1893G>A (p.Ser631=)

Gene: DLG4 (discs large MAGUK scaffold protein 4; minus strand). Cytogenetic location: 17p13.1.
Variant type: single nucleotide variant.
Coding change: c.1893G>A on transcript NM_001321075.3 (MANE Select); coding-DNA position 1893, G replaced by A.
Protein change: p.Ser631=; no amino-acid change (serine 631 retained).
Molecular consequence: synonymous variant.
Genome position (GRCh38, 1-based): chr17:7,191,976, C>T on the plus strand (G>A on the coding strand, the complement: DLG4 is on the minus strand). VCF-style: chr17-7191976-C-T. GRCh37 (hg19) VCF-style: chr17-7095295-C-T.
Other names: c.1884G>A, p.Ser628= (NM_001128827.4); c.2013G>A, p.Ser671= (NM_001321074.1); c.1713G>A, p.Ser571= (NM_001321076.3, NM_001321077.3); c.2022G>A, p.Ser674= (NM_001365.5); c.1812G>A, p.Ser604= (NM_001369566.3).
Identifiers: ClinVar variation 745399 (VCV000745399.9), dbSNP rs375777526, ClinGen allele CA8336807.
Genomic context (GRCh38, chr17:7,191,976, plus strand): 5'-GCGGATGAAGATGGCGATGGGGTGCAGGTGGGCCGCCTGCAGCCGCCGCACGGCATTGGC[C>T]GAGACATCGAGGATGCAGTGCTTCCCCTGGGGGCAGGCAGGGTGGGCGGAGGGGGGCCAG-3'
Protein context (NP_001308004.1, residues 621-641): EQGKHCILDV[Ser631=]ANAVRRLQAA